The following is an entry in ClinVar:

NM_001130987.2(DYSF):c.5074del (p.Leu1692fs)

Gene: DYSF (dysferlin; plus strand). Cytogenetic location: 2p13.2.
Variant type: Deletion.
Coding change: c.5074del on transcript NM_001130987.2 (MANE Select); coding-DNA position 5074, one base deleted (C; older notation c.5074delC).
Protein change: p.Leu1692fs; shifts the reading frame from leucine 1692.
Molecular consequence: frameshift variant.
Genome position (GRCh38, 1-based): chr2:71,664,338, C deleted; the last of 2 consecutive C bases (chr2:71,664,337-71,664,338); deleting either gives the same sequence. VCF-style (leftmost placement, unchanged base first): chr2-71664336-TC-T. GRCh37 (hg19) VCF-style: chr2-71891466-TC-T.
Other names: c.4960del, p.Leu1654fs (NM_001130455.2); c.4915del, p.Leu1639fs (NM_001130976.2); c.4978del, p.Leu1660fs (NM_001130977.2); c.5020del, p.Leu1674fs (NM_001130978.2); c.5050del, p.Leu1684fs (NM_001130979.2); c.5008del, p.Leu1670fs (NM_001130980.2); c.5071del, p.Leu1691fs (NM_001130981.2); c.5053del, p.Leu1685fs (NM_001130982.2); and 5 more; short protein forms L1639fs, L1640fs, L1653fs, L1654fs, L1660fs, L1661fs, L1670fs, L1671fs.
Identifiers: ClinVar variation 5014433 (VCV005014433.1).

ClinVar aggregate classification (germline): Pathogenic (1 of 4 stars; one submission).

Conditions:
Autosomal recessive limb-girdle muscular dystrophy. Identifiers: Orphanet 102015, MedGen C2931907, MONDO:0015152.

Submission:

Myriad Genetics, Inc.
Classification: Pathogenic for Autosomal recessive limb-girdle muscular dystrophy. Last evaluated: 2025-05-13. Review status: criteria provided, single submitter. Criteria: Myriad Autosomal Dominant, Autosomal Recessive and X-Linked Classification Criteria (2023). Collection method: clinical testing. Allele origin: unknown.
Comment: NM_003494.3(DYSF):c.4957delC(L1653Sfs*69) is expected to be pathogenic in the context of dysferlinopathy. This variant is predicted to lead to an abnormal or absent protein product due to the creation of a premature termination codon in DYSF, a gene where loss-of-function variants are known to be pathogenic. Please note: this variant was assessed in the context of healthy population screening.